The following is an entry in ClinVar:

NM_001737.5(C9):c.931C>T (p.Arg311Cys)

Gene: C9 (complement C9; minus strand). Cytogenetic location: 5p13.1.
Variant type: single nucleotide variant.
Coding change: c.931C>T on transcript NM_001737.5 (MANE Select); coding-DNA position 931, C replaced by T.
Protein change: p.Arg311Cys; replaces arginine 311 with cysteine.
Molecular consequence: missense variant.
Genome position (GRCh38, 1-based): chr5:39,311,317, G>A on the plus strand (C>T on the coding strand, the complement: C9 is on the minus strand). VCF-style: chr5-39311317-G-A. GRCh37 (hg19) VCF-style: chr5-39311419-G-A.
Other names: short protein forms R311C.
Identifiers: ClinVar variation 1938668 (VCV001938668.5), dbSNP rs371134723, ClinGen allele CA3246848.
Genomic context (GRCh38, chr5:39,311,317, plus strand): 5'-CATAGGTAGTTGGCAAAGCTTTTATATCATCCACAAAAGTTGTTGTGAGCACAACATCGC[G>A]ATTTCTCATTACAAATCTTCCCAGATGAATTTCTCCTTTCACATGCAGAAACATTTTTTC-3'
Protein context (NP_001728.1, residues 301-321): IHLGRFVMRN[Arg311Cys]DVVLTTTFVD

ClinVar aggregate classification (germline): Uncertain significance (1 of 4 stars; one submission).

Allele frequency attached by ClinVar (database versions not stated): ExAC 0.00002; TOPMed 0.00005; ESP Exome Variant Server 0.00008.

Submission:

Labcorp Genetics (formerly Invitae), Labcorp
Classification: Uncertain significance. Last evaluated: 2025-05-23. Review status: criteria provided, single submitter. Criteria: Invitae Variant Classification Sherloc (09022015). Collection method: clinical testing. Allele origin: germline.
Comment: This sequence change replaces arginine, which is basic and polar, with cysteine, which is neutral and slightly polar, at codon 311 of the C9 protein (p.Arg311Cys). This variant is present in population databases (rs371134723, gnomAD 0.007%). This variant has not been reported in the literature in individuals affected with C9-related conditions. ClinVar contains an entry for this variant (Variation ID: 1938668). Invitae Evidence Modeling of protein sequence and biophysical properties (such as structural, functional, and spatial information, amino acid conservation, physicochemical variation, residue mobility, and thermodynamic stability) indicates that this missense variant is expected to disrupt C9 protein function with a positive predictive value of 80%. In summary, the available evidence is currently insufficient to determine the role of this variant in disease. Therefore, it has been classified as a Variant of Uncertain Significance.